The following is an entry in ClinVar:

ClinVar aggregate classification (germline): Uncertain significance. Review status: criteria provided, multiple submitters, no conflicts (2 of 4 stars). 2 submissions from 2 submitters: Uncertain significance (2). Last evaluated 2026-02-13.

Conditions:
Progressive familial heart block type IB (PFHB1B). Identifiers: Orphanet 871, MedGen C1970298, MONDO:0011474, OMIM 604559.
Cardiovascular phenotype. Identifiers: MedGen CN230736.

gnomAD v4.1: 3 of 1,614,018 alleles (0.00019%); highest among the groups gnomAD compares: East Asian, 0.0067%; no homozygotes.

Submissions (2):

Ambry Genetics
Classification: Uncertain significance for Cardiovascular phenotype. Last evaluated: 2026-02-13. Review status: criteria provided, single submitter. Criteria: Ambry Variant Classification Scheme 2023. Collection method: clinical testing. Allele origin: germline.
Comment: The p.H1128R variant (also known as c.3383A>G), located in coding exon 22 of the TRPM4 gene, results from an A to G substitution at nucleotide position 3383. The histidine at codon 1128 is replaced by arginine, an amino acid with highly similar properties. This amino acid position is conserved. In addition, this alteration is predicted to be tolerated by in silico analysis. Based on the available evidence, the clinical significance of this variant remains unclear.

Labcorp Genetics (formerly Invitae), Labcorp
Classification: Uncertain significance for Progressive familial heart block type IB. Last evaluated: 2022-08-21. Review status: criteria provided, single submitter. Criteria: Invitae Variant Classification Sherloc (09022015). Collection method: clinical testing. Allele origin: germline.
Comment: This variant has not been reported in the literature in individuals affected with TRPM4-related conditions. This variant is present in population databases (no rsID available, gnomAD 0.01%). This sequence change replaces histidine, which is basic and polar, with arginine, which is basic and polar, at codon 1128 of the TRPM4 protein (p.His1128Arg). Algorithms developed to predict the effect of sequence changes on RNA splicing suggest that this variant may create or strengthen a splice site. Algorithms developed to predict the effect of missense changes on protein structure and function output the following: SIFT: "Tolerated"; PolyPhen-2: "Benign"; Align-GVGD: "Class C0". The arginine amino acid residue is found in multiple mammalian species, which suggests that this missense change does not adversely affect protein function. In summary, the available evidence is currently insufficient to determine the role of this variant in disease. Therefore, it has been classified as a Variant of Uncertain Significance.

NM_017636.4(TRPM4):c.3383A>G (p.His1128Arg)

Gene: TRPM4 (transient receptor potential cation channel subfamily M member 4; plus strand). Cytogenetic location: 19q13.33.
Variant type: single nucleotide variant.
Coding change: c.3383A>G on transcript NM_017636.4 (MANE Select); coding-DNA position 3383, A replaced by G.
Protein change: p.His1128Arg; replaces histidine 1128 with arginine.
Molecular consequence: missense variant.
Genome position (GRCh38, 1-based): chr19:49,210,764, A>G. VCF-style: chr19-49210764-A-G. GRCh37 (hg19) VCF-style: chr19-49714021-A-G.
Other names: c.2948A>G, p.His983Arg (NM_001195227.2); c.3038A>G, p.His1013Arg (NM_001321281.2); c.1775A>G, p.His592Arg (NM_001321282.2); c.2861A>G, p.His954Arg (NM_001321283.2); c.2321A>G, p.His774Arg (NM_001321285.2); c.3383A>G (NM_017636.3); short protein forms H1013R, H1128R, H592R, H774R, H983R, H954R.
Identifiers: ClinVar variation 2054683 (VCV002054683.5), dbSNP rs372317201, ClinGen allele CA406773073.